The following is an entry in ClinVar:

ClinVar aggregate classification (germline): Uncertain significance (0 of 4 stars; one submission).

Conditions:
ALDOB-related disorder. Also called: ALDOB-related condition.

gnomAD v4.1: 27 of 1,614,056 alleles (0.0017%); highest among the groups gnomAD compares: Middle Eastern, 0.016%; no homozygotes.

Submission:

PreventionGenetics, part of Exact Sciences
Classification: Uncertain significance for ALDOB-related condition. Last evaluated: 2024-07-12. Review status: no assertion criteria provided. Collection method: clinical testing. Allele origin: germline.
Comment: The ALDOB c.169C>T variant is predicted to result in the amino acid substitution p.Arg57Trp. To our knowledge, this variant has not been reported in the literature. This variant is reported in 0.022% of alleles in individuals of East Asian descent in gnomAD. A different variant affecting the same amino acid position, c.170G>C, p.(Arg57Pro), has been identified in a homozygous state in an individual with hereditary fructose intolerance (Davit-Spraul A et al 2008. PubMed ID: 18541450). At this time, the clinical significance of the c.169C>T, p.(Arg57Trp) variant is uncertain due to the absence of conclusive functional and genetic evidence.

NM_000035.4(ALDOB):c.169C>T (p.Arg57Trp)

Gene: ALDOB (aldolase, fructose-bisphosphate B; minus strand). Cytogenetic location: 9q31.1.
Variant type: single nucleotide variant.
Coding change: c.169C>T on transcript NM_000035.4 (MANE Select); coding-DNA position 169, C replaced by T.
Protein change: p.Arg57Trp; replaces arginine 57 with tryptophan.
Molecular consequence: missense variant.
Genome position (GRCh38, 1-based): chr9:101,429,910, G>A on the plus strand (C>T on the coding strand, the complement: ALDOB is on the minus strand). VCF-style: chr9-101429910-G-A. GRCh37 (hg19) VCF-style: chr9-104192192-G-A.
Other names: short protein forms R57W.
Identifiers: ClinVar variation 3358652 (VCV003358652.1).
Genomic context (GRCh38, chr9:101,429,910, plus strand): 5'-CACCCCCGATGCTCTGGTTGATGGAACTGTCCACAGAGAAGAGGATTTCTCGGAACTGCC[G>A]GCGGTTCTCTTCAGTGTTTTCCACCTTGATCCTCTGCAGGCGGTTCCCCATGGTACCTAT-3'
Protein context (NP_000026.2, residues 47-67): IKVENTEENR[Arg57Trp]QFREILFSVD